The following is an entry in ClinVar:

NM_004370.6(COL12A1):c.8330G>A (p.Gly2777Asp)

Gene: COL12A1 (collagen type XII alpha 1 chain; minus strand). Cytogenetic location: 6q13.
Variant type: single nucleotide variant.
Coding change: c.8330G>A on transcript NM_004370.6 (MANE Select); coding-DNA position 8330, G replaced by A.
Protein change: p.Gly2777Asp; replaces glycine 2777 with aspartic acid.
Molecular consequence: missense variant.
Genome position (GRCh38, 1-based): chr6:75,102,682, C>T on the plus strand (G>A on the coding strand, the complement: COL12A1 is on the minus strand). VCF-style: chr6-75102682-C-T. GRCh37 (hg19) VCF-style: chr6-75812398-C-T.
Other names: c.4838G>A, p.Gly1613Asp (NM_080645.3); short protein forms G1613D, G2777D.
Identifiers: ClinVar variation 2241736 (VCV002241736.3), dbSNP rs2533104361, ClinGen allele CA364739779.
Genomic context (GRCh38, chr6:75,102,682, plus strand): 5'-TTGGGTCCCTGAGGGCCTGGAGGACCCTGGGGGCCTGGAGGACCTATGTCTCCACGAGGA[C>T]CAGGGGGCCCCTAAAATACACAAGAGAGAGACAACCACAAAGTAATGTAATACCTTTTCA-3'
Protein context (NP_004361.3, residues 2767-2787): RGISGAIGPP[Gly2777Asp]PRGDIGPPGP

ClinVar aggregate classification (germline): Likely pathogenic (1 of 4 stars; one submission).

Conditions:
Inborn genetic diseases. Identifiers: MedGen C0950123, MeSH D030342.

Submission:

Ambry Genetics
Classification: Likely pathogenic for Inborn genetic diseases. Last evaluated: 2026-03-31. Review status: criteria provided, single submitter. Criteria: Ambry Variant Classification Scheme 2023. Collection method: clinical testing. Allele origin: germline.
Comment: The c.8330G>A (p.G2777D) alteration is located in exon 56 (coding exon 55) of the COL12A1 gene. This alteration results from a G to A substitution at nucleotide position 8330, causing the glycine (G) at amino acid position 2777 to be replaced by an aspartic acid (D). autosomal dominant COL12A1-related myopathic Ehlers-Danlos syndrome; however, its clinical significance for autosomal recessive COL12A1-related myopathic Ehlers-Danlos syndrome is uncertain. This variant was not reported in population-based cohorts in the Genome Aggregation Database (gnomAD). This variant was reported as heterozygous in an individual with developmental regression, psychosis, congenital malformations/dysmorphic features, and autism (Furley, 2024). Another variant at the same codon, c.8329G>C (p.G2777R), has been identified in an individual with profound hypotonia and joint hyperlaxity at birth after a pregnancy complicated by oligohydramnios and intrauterine growth retardation (Punetha, 2016). This amino acid position is highly conserved in available vertebrate species. This alteration is predicted to be deleterious by in silico analysis. Based on the available evidence, this alteration is classified as likely pathogenic.

Literature cited by the submitters: PubMed 27348394; PubMed 38536866.